The following is an entry in ClinVar:

ClinVar aggregate classification (germline): Likely benign (0 of 4 stars; one submission).

Conditions:
SEMA3F-related disorder. Also called: SEMA3F-related condition.

Submission:

PreventionGenetics, part of Exact Sciences
Classification: Likely benign for SEMA3F-related condition. Last evaluated: 2023-03-16. Review status: no assertion criteria provided. Collection method: clinical testing. Allele origin: germline.
Comment: This variant is classified as likely benign based on ACMG/AMP sequence variant interpretation guidelines (Richards et al. 2015 PMID: 25741868, with internal and published modifications).

NM_004186.5(SEMA3F):c.1863A>C (p.Ala621=)

Gene: SEMA3F (semaphorin 3F; plus strand). Cytogenetic location: 3p21.31.
Variant type: single nucleotide variant.
Coding change: c.1863A>C on transcript NM_004186.5 (MANE Select); coding-DNA position 1863, A replaced by C.
Protein change: p.Ala621=; no amino-acid change (alanine 621 retained).
Molecular consequence: synonymous variant.
Genome position (GRCh38, 1-based): chr3:50,186,662, A>C. VCF-style: chr3-50186662-A-C. GRCh37 (hg19) VCF-style: chr3-50224095-A-C.
Other names: c.1566A>C, p.Ala522= (NM_001318798.2); c.1770A>C, p.Ala590= (NM_001318800.2).
Identifiers: ClinVar variation 3356022 (VCV003356022.1).
Genomic context (GRCh38, chr3:50,186,662, plus strand): 5'-TCACTCTAAAGCCAACAAGAATGCCGTGGAGTCTGTGCAGTATGGCGTGGCCGGCAGCGC[A>C]GCCTTCCTTGAGTGCCAGCCCCGCTCGCCCCAAGCCACTGTTAAGTGGCTGTTCCAGCGA-3'
Protein context (NP_004177.3, residues 611-631): ESVQYGVAGS[Ala621=]AFLECQPRSP